The following is an entry in ClinVar:

NM_003571.4(BFSP2):c.246T>C (p.Ser82=)

Gene: BFSP2 (beaded filament structural protein 2; plus strand). Cytogenetic location: 3q22.1.
Variant type: single nucleotide variant.
Coding change: c.246T>C on transcript NM_003571.4 (MANE Select); coding-DNA position 246, T replaced by C.
Protein change: p.Ser82=; no amino-acid change (serine 82 retained).
Molecular consequence: synonymous variant.
Genome position (GRCh38, 1-based): chr3:133,400,329, T>C. VCF-style: chr3-133400329-T-C. GRCh37 (hg19) VCF-style: chr3-133119173-T-C.
Identifiers: ClinVar variation 343401 (VCV000343401.10), dbSNP rs145934653, ClinGen allele CA2623215.

ClinVar aggregate classification (germline): Benign. Review status: criteria provided, multiple submitters, no conflicts (2 of 4 stars). 3 submissions from 3 submitters: Benign (3). Last evaluated 2025-10-24.

Conditions:
Cataract 12 multiple types. Identifiers: Orphanet 91492, MedGen C3808115, MONDO:0012701, OMIM 611597.

Allele frequency attached by ClinVar (database versions not stated): gnomAD 0.00067 and 0.00086; ESP Exome Variant Server 0.00069; TOPMed 0.00075; 1000 Genomes Project 30x 0.00094; 1000 Genomes Project 0.00100; gnomAD exomes 0.00120 and 0.00166; ExAC 0.00189.
gnomAD v4.1: 1,929 of 1,614,030 alleles (0.12%); highest among the groups gnomAD compares: South Asian, 0.87%; 10 homozygotes.

Submissions (3):

Labcorp Genetics (formerly Invitae), Labcorp
Classification: Benign for Cataract 12 multiple types. Last evaluated: 2025-10-24. Review status: criteria provided, single submitter. Criteria: Invitae Variant Classification Sherloc (09022015). Collection method: clinical testing. Allele origin: germline.

Illumina Laboratory Services, Illumina
Classification: Benign for Cataract 12 multiple types. Last evaluated: 2018-01-13. Review status: criteria provided, single submitter. Criteria: ICSL Variant Classification Criteria 13 December 2019. Collection method: clinical testing. Allele origin: germline.
Comment: This variant was observed in the ICSL laboratory as part of a predisposition screen in an ostensibly healthy population. It had not been previously curated by ICSL or reported in the Human Gene Mutation Database (HGMD: prior to June 1st, 2018), and was therefore a candidate for classification through an automated scoring system. Utilizing variant allele frequency, disease prevalence and penetrance estimates, and inheritance mode, an automated score was calculated to assess if this variant is too frequent to cause the disease. Based on the score and internal cut-off values, a variant classified as benign is not then subjected to further curation. The score for this variant resulted in a classification of benign for this disease.

Breakthrough Genomics
Classification: Benign. Review status: criteria provided, single submitter. Criteria: ACMG Guidelines, 2015. Collection method: not provided. Allele origin: germline. Inheritance: Autosomal dominant inheritance. Affected: yes.